The following is an entry in ClinVar:

ClinVar aggregate classification (germline): Likely benign (1 of 4 stars; one submission).

Allele frequency attached by ClinVar (database versions not stated): gnomAD 0.00006 and 0.00007; TOPMed 0.00006.

Submission:

GeneDx
Classification: Likely benign. Last evaluated: 2016-08-16. Review status: criteria provided, single submitter. Criteria: GeneDx Variant Classification (06012015). Collection method: clinical testing. Allele origin: germline. Affected: yes.
Comment: This variant is considered likely benign or benign based on one or more of the following criteria: it is a conservative change, it occurs at a poorly conserved position in the protein, it is predicted to be benign by multiple in silico algorithms, and/or has population frequency not consistent with disease.

NM_004329.3(BMPR1A):c.-268+15C>G

Genes: BMPR1A (bone morphogenetic protein receptor type 1A; plus strand), LOC130004245 (ATAC-STARR-seq lymphoblastoid silent region 2573; plus strand). Cytogenetic location: 10q23.2.
Variant type: single nucleotide variant.
Coding change: c.-268+15C>G on transcript NM_004329.3 (MANE Select); 15 bases into the intron after 268 bases upstream of the start codon, C replaced by G.
Molecular consequence: intron variant.
Genome position (GRCh38, 1-based): chr10:86,756,934, C>G. VCF-style: chr10-86756934-C-G. GRCh37 (hg19) VCF-style: chr10-88516691-C-G.
Identifiers: ClinVar variation 380109 (VCV000380109.1), dbSNP rs1057520793, ClinGen allele CA16606076.